The following is an entry in ClinVar:

ClinVar aggregate classification (germline): Conflicting classifications of pathogenicity. Review status: criteria provided, conflicting classifications (1 of 4 stars). 4 submissions from 4 submitters: Uncertain significance (2); Benign (1). 1 of the submissions does not count toward it. Last evaluated 2026-05-11.

Conditions:
JAG1-related disorder. Also called: JAG1-related condition; JAG1-related disorders.
Deafness, congenital heart defects, and posterior embryotoxon (DCHE). Identifiers: MedGen C1866053, MONDO:0060713, OMIM 617992.
Alagille syndrome due to a JAG1 point mutation. Also called: HEPATIC DUCTULAR HYPOPLASIA, SYNDROMATIC; Alagille Syndrome 1; JAG1-Related Alagille Syndrome. Identifiers: Orphanet 261619, Orphanet 52, MedGen C1956125, MONDO:0016862, OMIM 118450.
Tetralogy of Fallot (TOF). Identifiers: Orphanet 3303, MedGen C0039685, MONDO:0008542, OMIM 187500, HP:0001636.
Charcot-Marie-Tooth disease, axonal, Type 2HH. Also called: CHARCOT-MARIE-TOOTH NEUROPATHY, TYPE 2HH. Identifiers: MedGen C5562003, MONDO:0030458, OMIM 619574.

Allele frequency attached by ClinVar (database versions not stated): gnomAD exomes 0.00001 and below 0.00001; TOPMed 0.00002; gnomAD 0.00002; ExAC 0.00002.
gnomAD v4.1: 7 of 1,612,644 alleles (0.00043%); highest among the groups gnomAD compares: African/African-American, 0.0067%; no homozygotes.

Submissions (4):

Greenwood Genetic Center Diagnostic Laboratories, Greenwood Genetic Center
Classification: Uncertain significance. Last evaluated: 2026-05-11. Review status: criteria provided, single submitter. Criteria: ACMG Guidelines, 2015. Collection method: clinical testing. Allele origin: germline.
Comment: BP4, PP2

Fulgent Genetics
Classification: Uncertain significance for Alagille syndrome due to a JAG1 point mutation; Tetralogy of Fallot; Deafness, congenital heart defects, and posterior embryotoxon; Charcot-Marie-Tooth disease, axonal, Type 2HH. Last evaluated: 2024-02-01. Review status: criteria provided, single submitter. Criteria: ACMG Guidelines, 2015. Collection method: clinical testing. Allele origin: germline.

Labcorp Genetics (formerly Invitae), Labcorp
Classification: Benign for Alagille syndrome due to a JAG1 point mutation. Last evaluated: 2022-06-27. Review status: criteria provided, single submitter. Criteria: Invitae Variant Classification Sherloc (09022015). Collection method: clinical testing. Allele origin: germline.

PreventionGenetics, part of Exact Sciences
Classification: Uncertain significance for JAG1-related condition. Last evaluated: 2024-06-09. Review status: no assertion criteria provided. Collection method: clinical testing. Allele origin: germline. Not counted in ClinVar's aggregate classification.
Comment: The JAG1 c.2911T>C variant is predicted to result in the amino acid substitution p.Ser971Pro. To our knowledge, this variant has not been reported in the literature. This variant is reported in 0.0062% of alleles in individuals of African descent in gnomAD. At this time, the clinical significance of this variant is uncertain due to the absence of conclusive functional and genetic evidence.

NM_000214.3(JAG1):c.2911T>C (p.Ser971Pro)

Gene: JAG1 (jagged canonical Notch ligand 1; minus strand). Cytogenetic location: 20p12.2.
Variant type: single nucleotide variant.
Coding change: c.2911T>C on transcript NM_000214.3 (MANE Select); coding-DNA position 2911, T replaced by C.
Protein change: p.Ser971Pro; replaces serine 971 with proline.
Molecular consequence: missense variant.
Genome position (GRCh38, 1-based): chr20:10,641,465, A>G on the plus strand (T>C on the coding strand, the complement: JAG1 is on the minus strand). VCF-style: chr20-10641465-A-G. GRCh37 (hg19) VCF-style: chr20-10622113-A-G.
Other names: c.2911T>C (NM_000214.2); short protein forms S971P.
Identifiers: ClinVar variation 1005101 (VCV001005101.12), dbSNP rs750570683, ClinGen allele CA9764369.
Genomic context (GRCh38, chr20:10,641,465, plus strand): 5'-AAAGCAAGCAAGCAGACATCCACCATTCAAAAAAAAAACAAAGGTTGTTACATACTGGTG[A>G]CATCATCTCCTTGTTAAAGGTAAATGTGATGTTCGCACAGTTATCCTGGTAATAGGAGTC-3'
Protein context (NP_000205.1, residues 961-981): ITFTFNKEMM[Ser971Pro]PGLTTEHICS